The following is an entry in ClinVar:

ClinVar aggregate classification (germline): Benign/Likely benign. Review status: criteria provided, multiple submitters, no conflicts (2 of 4 stars). 3 submissions from 3 submitters: Benign (1); Likely benign (2). Last evaluated 2024-11-14.

Conditions:
Hereditary cancer-predisposing syndrome. Also called: Hereditary neoplastic syndrome; Tumor predisposition; Hereditary Cancer Syndrome; Neoplastic Syndromes, Hereditary. Identifiers: Orphanet 140162, MedGen C0027672, MeSH D009386, MONDO:0015356.
Familial adenomatous polyposis 1 (FAP1). Also called: FAMILIAL ADENOMATOUS POLYPOSIS 1, ATTENUATED; POLYPOSIS, ADENOMATOUS INTESTINAL. Identifiers: MedGen C2713442, MONDO:0021056, OMIM 175100. Disease mechanism: loss of function.

Allele frequency attached by ClinVar (database versions not stated): gnomAD exomes 0.00001.
gnomAD v4.1: 11 of 1,614,022 alleles (0.00068%); highest among the groups gnomAD compares: South Asian, 0.0011%; no homozygotes.

Submissions (3):

Ambry Genetics
Classification: Likely benign for Hereditary cancer-predisposing syndrome. Last evaluated: 2024-11-14. Review status: criteria provided, single submitter. Criteria: Ambry Variant Classification Scheme 2023. Collection method: clinical testing. Allele origin: germline.

Myriad Genetics, Inc.
Classification: Benign for Familial adenomatous polyposis 1. Last evaluated: 2024-03-01. Review status: criteria provided, single submitter. Criteria: Myriad Autosomal Dominant, Autosomal Recessive and X-Linked Classification Criteria (2023). Collection method: clinical testing. Allele origin: unknown.
Comment: This variant is considered benign. This variant is a silent/synonymous amino acid change and it is not expected to impact splicing.

Labcorp Genetics (formerly Invitae), Labcorp
Classification: Likely benign for Familial adenomatous polyposis 1. Last evaluated: 2023-08-22. Review status: criteria provided, single submitter. Criteria: Invitae Variant Classification Sherloc (09022015). Collection method: clinical testing. Allele origin: germline.

NM_000038.6(APC):c.1155A>G (p.Ala385=)

Gene: APC (APC regulator of Wnt signaling pathway; plus strand). Cytogenetic location: 5q22.2.
Variant type: single nucleotide variant.
Coding change: c.1155A>G on transcript NM_000038.6 (MANE Select); coding-DNA position 1155, A replaced by G.
Protein change: p.Ala385=; no amino-acid change (alanine 385 retained).
Molecular consequence: synonymous variant. On other transcripts: non-coding transcript variant (2), intron variant (15).
Genome position (GRCh38, 1-based): chr5:112,819,187, A>G. VCF-style: chr5-112819187-A-G. GRCh37 (hg19) VCF-style: chr5-112154884-A-G.
Other names: c.1155A>G, p.Ala385= (NM_001127510.3, NM_001354895.2, NM_001354896.2 and 4 more transcripts); c.1101A>G, p.Ala367= (NM_001127511.3); c.1185A>G, p.Ala395= (NM_001354897.2, NM_001407446.1); c.1080A>G, p.Ala360= (NM_001354898.2, NM_001407451.1); c.1071A>G, p.Ala357= (NM_001354899.2, NM_001407452.1); c.978A>G, p.Ala326= (NM_001354900.2, NM_001354901.2, NM_001407453.1); c.306A>G, p.Ala102= (NM_001354906.2, NM_001407470.1); c.85-82A>G (NM_001407472.1, NM_001407471.1); and 6 more.
Identifiers: ClinVar variation 1949154 (VCV001949154.7), dbSNP rs1554080041, ClinGen allele CA445960316.